The following is an entry in ClinVar:

NM_001161403.3(LIMS2):c.329C>T (p.Ala110Val)

Gene: LIMS2 (LIM zinc finger domain containing 2; minus strand). Cytogenetic location: 2q14.3.
Variant type: single nucleotide variant.
Coding change: c.329C>T on transcript NM_001161403.3 (MANE Select); coding-DNA position 329, C replaced by T.
Protein change: p.Ala110Val; replaces alanine 110 with valine.
Molecular consequence: missense variant.
Genome position (GRCh38, 1-based): chr2:127,654,454, G>A on the plus strand (C>T on the coding strand, the complement: LIMS2 is on the minus strand). VCF-style: chr2-127654454-G-A. GRCh37 (hg19) VCF-style: chr2-128412028-G-A.
Other names: c.401C>T (NM_017980.4); c.395C>T, p.Ala132Val (NM_001136037.4); c.314C>T, p.Ala105Val (NM_001161404.2); c.401C>T, p.Ala134Val (NM_017980.5); short protein forms A105V, A110V, A132V, A134V.
Identifiers: ClinVar variation 2057670 (VCV002057670.5), dbSNP rs947667453, ClinGen allele CA55436227.
Genomic context (GRCh38, chr2:127,654,454, plus strand): 5'-GTCCTCTCTGGCCCAACACGGCCACCTCACCTGCCGGCATTCTTCACAAAGCCCAGGTCA[G>A]CCAGCTCCACATCACACAGCTCGCAGCGGAAGCAGCCCGGGTGCCAGTTGTTGTTCATGG-3'
Protein context (NP_001154875.1, residues 100-120): FRCELCDVEL[Ala110Val]DLGFVKNAGR

ClinVar aggregate classification (germline): Uncertain significance. Review status: criteria provided, multiple submitters, no conflicts (2 of 4 stars). 2 submissions from 2 submitters: Uncertain significance (2). Last evaluated 2025-10-23.

Conditions:
Autosomal recessive limb-girdle muscular dystrophy type 2W (MDRCMTT). Also called: Muscular dystrophy, limb-girdle, type 2W; Muscular dystrophy, autosomal recessive, with cardiomyopathy and triangular tongue. Identifiers: MedGen C4225192, MONDO:0014788, OMIM 616827.

Allele frequency attached by ClinVar (database versions not stated): TOPMed 0.00004; gnomAD 0.00005; gnomAD exomes 0.00001.
gnomAD v4.1: 18 of 1,614,036 alleles (0.0011%); highest among the groups gnomAD compares: African/African-American, 0.023%; no homozygotes.

Submissions (2):

Ambry Genetics
Classification: Uncertain significance. Last evaluated: 2025-10-23. Review status: criteria provided, single submitter. Criteria: Ambry Variant Classification Scheme 2023. Collection method: clinical testing. Allele origin: germline.

Labcorp Genetics (formerly Invitae), Labcorp
Classification: Uncertain significance for Autosomal recessive limb-girdle muscular dystrophy type 2W. Last evaluated: 2025-01-01. Review status: criteria provided, single submitter. Criteria: Invitae Variant Classification Sherloc (09022015). Collection method: clinical testing. Allele origin: germline.
Comment: This sequence change replaces alanine, which is neutral and non-polar, with valine, which is neutral and non-polar, at codon 132 of the LIMS2 protein (p.Ala132Val). This variant is present in population databases (no rsID available, gnomAD 0.008%). This variant has not been reported in the literature in individuals affected with LIMS2-related conditions. ClinVar contains an entry for this variant (Variation ID: 2057670). Invitae Evidence Modeling of protein sequence and biophysical properties (such as structural, functional, and spatial information, amino acid conservation, physicochemical variation, residue mobility, and thermodynamic stability) indicates that this missense variant is not expected to disrupt LIMS2 protein function with a negative predictive value of 80%. In summary, the available evidence is currently insufficient to determine the role of this variant in disease. Therefore, it has been classified as a Variant of Uncertain Significance.